The following is an entry in ClinVar:

NM_006231.4(POLE):c.1772A>G (p.Glu591Gly)

Gene: POLE (DNA polymerase epsilon, catalytic subunit; minus strand). Cytogenetic location: 12q24.33.
Variant type: single nucleotide variant.
Coding change: c.1772A>G on transcript NM_006231.4 (MANE Select); coding-DNA position 1772, A replaced by G.
Protein change: p.Glu591Gly; replaces glutamic acid 591 with glycine.
Molecular consequence: missense variant.
Genome position (GRCh38, 1-based): chr12:132,672,237, T>C on the plus strand (A>G on the coding strand, the complement: POLE is on the minus strand). VCF-style: chr12-132672237-T-C. GRCh37 (hg19) VCF-style: chr12-133248823-T-C.
Other names: short protein forms E591G.
Identifiers: ClinVar variation 473482 (VCV000473482.11), dbSNP rs1555228119, ClinGen allele CA387356251.

ClinVar aggregate classification (germline): Uncertain significance. Review status: criteria provided, multiple submitters, no conflicts (2 of 4 stars). 3 submissions from 3 submitters: Uncertain significance (3). Last evaluated 2025-11-17.

Conditions:
Facial dysmorphism-immunodeficiency-livedo-short stature syndrome. Also called: Facial dysmorphism, immunodeficiency, livedo, and short stature; FILS syndrome. Identifiers: Orphanet 352712, MedGen C3554576, MONDO:0014058, OMIM 615139.
Intrauterine growth retardation, metaphyseal dysplasia, adrenal hypoplasia congenita, genital anomalies, and immunodeficiency. Also called: IMAGEI SYNDROME. Identifiers: MedGen C5193036, MONDO:0032684, OMIM 618336.
Colorectal cancer, susceptibility to, 12 (CRCS12). Also called: COLORECTAL CANCER, SUSCEPTIBILITY TO, ON CHROMOSOME 12q24. Identifiers: Orphanet 220460, MedGen C3554460, MONDO:0014038, OMIM 615083.
Hereditary cancer-predisposing syndrome. Also called: Neoplastic Syndromes, Hereditary; Tumor predisposition; Hereditary Cancer Syndrome; Hereditary neoplastic syndrome. Identifiers: Orphanet 140162, MedGen C0027672, MeSH D009386, MONDO:0015356.

Allele frequency attached by ClinVar (database versions not stated): gnomAD exomes below 0.00001; TOPMed below 0.00001.
gnomAD v4.1: 1 of 1,614,060 alleles (0.000062%); highest among the groups gnomAD compares: African/African-American, 0.0013%; no homozygotes.

Submissions (3):

Labcorp Genetics (formerly Invitae), Labcorp
Classification: Uncertain significance. Last evaluated: 2025-11-17. Review status: criteria provided, single submitter. Criteria: Invitae Variant Classification Sherloc (09022015). Collection method: clinical testing. Allele origin: germline.
Comment: This sequence change replaces glutamic acid, which is acidic and polar, with glycine, which is neutral and non-polar, at codon 591 of the POLE protein (p.Glu591Gly). This variant is not present in population databases (gnomAD no frequency). This variant has not been reported in the literature in individuals affected with POLE-related conditions. ClinVar contains an entry for this variant (Variation ID: 473482). Invitae Evidence Modeling of protein sequence and biophysical properties (such as structural, functional, and spatial information, amino acid conservation, physicochemical variation, residue mobility, and thermodynamic stability) indicates that this missense variant is not expected to disrupt POLE protein function with a negative predictive value of 80%. In summary, the available evidence is currently insufficient to determine the role of this variant in disease. Therefore, it has been classified as a Variant of Uncertain Significance.

Ambry Genetics
Classification: Uncertain significance for Hereditary cancer-predisposing syndrome. Last evaluated: 2024-12-09. Review status: criteria provided, single submitter. Criteria: Ambry Variant Classification Scheme 2023. Collection method: clinical testing. Allele origin: germline.
Comment: The p.E591G variant (also known as c.1772A>G), located in coding exon 16 of the POLE gene, results from an A to G substitution at nucleotide position 1772. The glutamic acid at codon 591 is replaced by glycine, an amino acid with similar properties. This amino acid position is not well conserved in available vertebrate species. In addition, this alteration is predicted to be tolerated by in silico analysis. Based on the available evidence, the clinical significance of this variant remains unclear.

Fulgent Genetics
Classification: Uncertain significance for Colorectal cancer, susceptibility to, 12; Facial dysmorphism-immunodeficiency-livedo-short stature syndrome; Intrauterine growth retardation, metaphyseal dysplasia, adrenal hypoplasia congenita, genital anomalies, and immunodeficiency. Last evaluated: 2021-09-03. Review status: criteria provided, single submitter. Criteria: ACMG Guidelines, 2015. Collection method: clinical testing. Allele origin: unknown.